The following is an entry in ClinVar:

NM_003737.4(DCHS1):c.4275A>C (p.Gln1425His)

Gene: DCHS1 (dachsous cadherin-related 1; minus strand). Cytogenetic location: 11p15.4.
Variant type: single nucleotide variant.
Coding change: c.4275A>C on transcript NM_003737.4 (MANE Select); coding-DNA position 4275, A replaced by C.
Protein change: p.Gln1425His; replaces glutamine 1425 with histidine.
Molecular consequence: missense variant.
Genome position (GRCh38, 1-based): chr11:6,630,519, T>G on the plus strand (A>C on the coding strand, the complement: DCHS1 is on the minus strand). VCF-style: chr11-6630519-T-G. GRCh37 (hg19) VCF-style: chr11-6651750-T-G.
Other names: short protein forms Q1425H.
Identifiers: ClinVar variation 3703786 (VCV003703786.2).
Genomic context (GRCh38, chr11:6,630,519, plus strand): 5'-CAGCGCCAGCGCCAGCGGGTCGCGCGCAAAGGCGGGCGCATGCTCATTCTCGTCCTGCAC[T>G]TGCACCTGCACTCGCAGCAGCCGCGCGCCCGCGCCTCCCGGCCCCTCAGCGCGTACCGTA-3'
Protein context (NP_003728.1, residues 1415-1435): AGARLLRVQV[Gln1425His]VQDENEHAPA

ClinVar aggregate classification (germline): Uncertain significance (1 of 4 stars; one submission).

gnomAD v4.1: 22 of 1,538,900 alleles (0.0014%); highest among the groups gnomAD compares: South Asian, 0.0024%; no homozygotes.

Submission:

Labcorp Genetics (formerly Invitae), Labcorp
Classification: Uncertain significance. Last evaluated: 2025-07-24. Review status: criteria provided, single submitter. Criteria: Invitae Variant Classification Sherloc (09022015). Collection method: clinical testing. Allele origin: germline.
Comment: This sequence change replaces glutamine, which is neutral and polar, with histidine, which is basic and polar, at codon 1425 of the DCHS1 protein (p.Gln1425His). This variant is present in population databases (rs755840765, gnomAD 0.009%). This variant has not been reported in the literature in individuals affected with DCHS1-related conditions. ClinVar contains an entry for this variant (Variation ID: 3703786). Invitae Evidence Modeling of protein sequence and biophysical properties (such as structural, functional, and spatial information, amino acid conservation, physicochemical variation, residue mobility, and thermodynamic stability) indicates that this missense variant is not expected to disrupt DCHS1 protein function with a negative predictive value of 80%. In summary, the available evidence is currently insufficient to determine the role of this variant in disease. Therefore, it has been classified as a Variant of Uncertain Significance.